The following is an entry in ClinVar:

NM_012079.6(DGAT1):c.216G>A (p.Gln72=)

Gene: DGAT1 (diacylglycerol O-acyltransferase 1; minus strand). Cytogenetic location: 8q24.3.
Variant type: single nucleotide variant.
Coding change: c.216G>A on transcript NM_012079.6 (MANE Select); coding-DNA position 216, G replaced by A.
Protein change: p.Gln72=; no amino-acid change (glutamine 72 retained).
Molecular consequence: synonymous variant.
Genome position (GRCh38, 1-based): chr8:144,321,393, C>T on the plus strand (G>A on the coding strand, the complement: DGAT1 is on the minus strand). VCF-style: chr8-144321393-C-T. GRCh37 (hg19) VCF-style: chr8-145545056-C-T.
Other names: c.216G>A (NM_012079.5).
Identifiers: ClinVar variation 2904526 (VCV002904526.5), dbSNP rs781833937, ClinGen allele CA4937125.
Genomic context (GRCh38, chr8:144,321,393, plus strand): 5'-ACACCAGTTCAGGATGCCACGGTAGTTGCTGAAGCCACTGTCAGAGCTGAATAAAGAATC[C>T]TGCAGGCGATGGCACCTGACAGAGCACAACACAAGCACCCCCTGAGTGGGCACCAGCAGG-3'
Protein context (NP_036211.2, residues 62-82): GHWELRCHRL[Gln72=]DSLFSSDSGF

ClinVar aggregate classification (germline): Likely benign. Review status: criteria provided, single submitter (1 of 4 stars). 2 submissions from 2 submitters: Likely benign (1). 1 of the submissions does not count toward it. Last evaluated 2025-12-23.

Conditions:
DGAT1-related disorder. Also called: DGAT1-related condition.

Allele frequency attached by ClinVar (database versions not stated): ExAC 0.00001; TOPMed 0.00006; gnomAD 0.00003; gnomAD exomes 0.00001.
gnomAD v4.1: 23 of 1,613,792 alleles (0.0014%); highest among the groups gnomAD compares: Admixed American, 0.017%; no homozygotes.

Submissions (2):

Labcorp Genetics (formerly Invitae), Labcorp
Classification: Likely benign. Last evaluated: 2025-12-23. Review status: criteria provided, single submitter. Criteria: Invitae Variant Classification Sherloc (09022015). Collection method: clinical testing. Allele origin: germline.

PreventionGenetics, part of Exact Sciences
Classification: Likely benign for DGAT1-related condition. Last evaluated: 2023-12-21. Review status: no assertion criteria provided. Collection method: clinical testing. Allele origin: germline. Not counted in ClinVar's aggregate classification.
Comment: This variant is classified as likely benign based on ACMG/AMP sequence variant interpretation guidelines (Richards et al. 2015 PMID: 25741868, with internal and published modifications).